The following is an entry in ClinVar:

ClinVar aggregate classification (germline): Likely benign (0 of 4 stars; one submission).

Conditions:
TWNK-related disorder. Also called: TWNK-related condition.

Submission:

PreventionGenetics, part of Exact Sciences
Classification: Likely benign for TWNK-related condition. Last evaluated: 2020-10-16. Review status: no assertion criteria provided. Collection method: clinical testing. Allele origin: germline.
Comment: This variant is classified as likely benign based on ACMG/AMP sequence variant interpretation guidelines (Richards et al. 2015 PMID: 25741868, with internal and published modifications).

NM_021830.5(TWNK):c.888T>C (p.Pro296=)

Gene: TWNK (twinkle mtDNA helicase; plus strand). Cytogenetic location: 10q24.31.
Variant type: single nucleotide variant.
Coding change: c.888T>C on transcript NM_021830.5 (MANE Select); coding-DNA position 888, T replaced by C.
Protein change: p.Pro296=; no amino-acid change (proline 296 retained).
Molecular consequence: synonymous variant. On other transcripts: non-coding transcript variant (4), intron variant (3).
Genome position (GRCh38, 1-based): chr10:100,989,098, T>C. VCF-style: chr10-100989098-T-C. GRCh37 (hg19) VCF-style: chr10-102748855-T-C.
Other names: c.888T>C, p.Pro296= (NM_001163812.2); c.-119-546T>C (NM_001163814.2, NM_001163813.2); c.-57-608T>C (NM_001368275.1).
Identifiers: ClinVar variation 3032352 (VCV003032352.2), dbSNP rs2493632028, ClinGen allele CA471269139.